The following is an entry in ClinVar:

NM_172107.4(KCNQ2):c.2546G>T (p.Cys849Phe)

Gene: KCNQ2 (potassium voltage-gated channel subfamily Q member 2; minus strand). Cytogenetic location: 20q13.33.
Variant type: single nucleotide variant.
Coding change: c.2546G>T on transcript NM_172107.4 (MANE Select); coding-DNA position 2546, G replaced by T.
Protein change: p.Cys849Phe; replaces cysteine 849 with phenylalanine.
Molecular consequence: missense variant.
Genome position (GRCh38, 1-based): chr20:63,406,717, C>A on the plus strand (G>T on the coding strand, the complement: KCNQ2 is on the minus strand). VCF-style: chr20-63406717-C-A. GRCh37 (hg19) VCF-style: chr20-62038070-C-A.
Other names: c.2600G>T, p.Cys867Phe (NM_001382235.1); c.2462G>T, p.Cys821Phe (NM_004518.6); c.2492G>T, p.Cys831Phe (NM_172106.3); c.2453G>T, p.Cys818Phe (NM_172108.5); short protein forms C849F, C821F, C831F, C818F, C867F.
Identifiers: ClinVar variation 1358807 (VCV001358807.9), dbSNP rs768731672, ClinGen allele CA9958061.

ClinVar aggregate classification (germline): Uncertain significance (1 of 4 stars; one submission).

Conditions:
Early-infantile DEE. Also called: Early infantile epileptic encephalopathy with suppression bursts; Early infantile epileptic encephalopathy; Ohtahara syndrome. Identifiers: Orphanet 1934, MedGen C0393706, MONDO:0800491.

Allele frequency attached by ClinVar (database versions not stated): TOPMed below 0.00001; gnomAD exomes 0.00001 and 0.00002; ExAC 0.00002.
gnomAD v4.1: 4 of 1,605,616 alleles (0.00025%); highest among the groups gnomAD compares: Admixed American, 0.0068%; no homozygotes.

Submission:

Labcorp Genetics (formerly Invitae), Labcorp
Classification: Uncertain significance for Early-infantile DEE. Last evaluated: 2026-02-03. Review status: criteria provided, single submitter. Criteria: Invitae Variant Classification Sherloc (09022015). Collection method: clinical testing. Allele origin: germline.
Comment: This sequence change replaces cysteine, which is neutral and slightly polar, with phenylalanine, which is neutral and non-polar, at codon 849 of the KCNQ2 protein (p.Cys849Phe). This variant is present in population databases (rs768731672, gnomAD 0.01%). This variant has not been reported in the literature in individuals affected with KCNQ2-related conditions. ClinVar contains an entry for this variant (Variation ID: 1358807). Invitae Evidence Modeling of protein sequence and biophysical properties (such as structural, functional, and spatial information, amino acid conservation, physicochemical variation, residue mobility, and thermodynamic stability) indicates that this missense variant is not expected to disrupt KCNQ2 protein function with a negative predictive value of 95%. In summary, the available evidence is currently insufficient to determine the role of this variant in disease. Therefore, it has been classified as a Variant of Uncertain Significance.